The following is an entry in ClinVar:

ClinVar aggregate classification (germline): Likely benign (0 of 4 stars; one submission).

Conditions:
PPARG-related disorder. Also called: PPARG-related disorders; PPARG-related condition.

gnomAD v4.1: 2 of 1,614,114 alleles (0.00012%); highest among the groups gnomAD compares: African/African-American, 0.0027%; no homozygotes.

Submission:

PreventionGenetics, part of Exact Sciences
Classification: Likely benign for PPARG-related condition. Last evaluated: 2024-01-15. Review status: no assertion criteria provided. Collection method: clinical testing. Allele origin: germline.
Comment: This variant is classified as likely benign based on ACMG/AMP sequence variant interpretation guidelines (Richards et al. 2015 PMID: 25741868, with internal and published modifications).

NM_138711.6(PPARG):c.1314A>C (p.Thr438=)

Gene: PPARG (peroxisome proliferator activated receptor gamma; plus strand). Cytogenetic location: 3p25.2.
Variant type: single nucleotide variant.
Coding change: c.1314A>C on transcript NM_138711.6 (MANE Select); coding-DNA position 1314, A replaced by C.
Protein change: p.Thr438=; no amino-acid change (threonine 438 retained).
Molecular consequence: synonymous variant. On other transcripts: 3 prime UTR variant (5).
Genome position (GRCh38, 1-based): chr3:12,434,031, A>C. VCF-style: chr3-12434031-A-C. GRCh37 (hg19) VCF-style: chr3-12475530-A-C.
Other names: c.*116A>C (NM_001330615.4, NM_001374261.3, NM_001374262.3 and 1 more transcripts); c.1314A>C, p.Thr438= (NM_001354666.3, NM_001354667.3, NM_001374263.2 and 3 more transcripts); c.687A>C, p.Thr229= (NM_001354669.2); c.*100A>C (NM_001374266.1); c.1404A>C, p.Thr468= (NM_015869.5).
Identifiers: ClinVar variation 3352879 (VCV003352879.1).